The following is an entry in ClinVar:

NM_001378030.1(CCDC78):c.805del (p.Ala269fs)

Gene: CCDC78 (coiled-coil domain containing 78; minus strand). Cytogenetic location: 16p13.3.
Variant type: Deletion.
Coding change: c.805del on transcript NM_001378030.1 (MANE Select); coding-DNA position 805, one base deleted (G; older notation c.805delG).
Protein change: p.Ala269fs; shifts the reading frame from alanine 269.
Molecular consequence: frameshift variant. On other transcripts: non-coding transcript variant (5).
Genome position (GRCh38, 1-based): chr16:724,470, C deleted on the plus strand (G on the coding strand, the reverse complement: CCDC78 is on the minus strand); the first of 2 consecutive C bases (chr16:724,470-724,471); deleting either gives the same sequence. VCF-style (leftmost placement, unchanged base first): chr16-724469-GC-G. GRCh37 (hg19) VCF-style: chr16-774469-GC-G.
Other names: c.805del, p.Ala269fs (NM_001031737.3, NM_001378031.1); c.238del, p.Ala80fs (NM_001378033.1); short protein forms A269fs, A80fs.
Identifiers: ClinVar variation 2058910 (VCV002058910.4), dbSNP rs1315306679, ClinGen allele CA620309201.

ClinVar aggregate classification (germline): Uncertain significance (1 of 4 stars; one submission).

Conditions:
Congenital myopathy with internal nuclei and atypical cores. Also called: Myopathy, centronuclear, 4. Identifiers: Orphanet 319160, MedGen C4707232, MONDO:0013890, OMIM 614807.

Submission:

Labcorp Genetics (formerly Invitae), Labcorp
Classification: Uncertain significance for Congenital myopathy with internal nuclei and atypical cores. Last evaluated: 2024-12-16. Review status: criteria provided, single submitter. Criteria: Invitae Variant Classification Sherloc (09022015). Collection method: clinical testing. Allele origin: germline.
Comment: This sequence change creates a premature translational stop signal (p.Ala269Profs*38) in the CCDC78 gene. It is expected to result in an absent or disrupted protein product. However, the current clinical and genetic evidence is not sufficient to establish whether loss-of-function variants in CCDC78 cause disease. This variant is present in population databases (no rsID available, gnomAD 0.0009%). This variant has not been reported in the literature in individuals affected with CCDC78-related conditions. ClinVar contains an entry for this variant (Variation ID: 2058910). In summary, the available evidence is currently insufficient to determine the role of this variant in disease. Therefore, it has been classified as a Variant of Uncertain Significance.